The following is an entry in ClinVar:

NM_001371904.1(APOA5):c.586G>A (p.Glu196Lys)

Gene: APOA5 (apolipoprotein A5; minus strand). Cytogenetic location: 11q23.3.
Variant type: single nucleotide variant.
Coding change: c.586G>A on transcript NM_001371904.1 (MANE Select); coding-DNA position 586, G replaced by A.
Protein change: p.Glu196Lys; replaces glutamic acid 196 with lysine.
Molecular consequence: missense variant.
Genome position (GRCh38, 1-based): chr11:116,790,643, C>T on the plus strand (G>A on the coding strand, the complement: APOA5 is on the minus strand). VCF-style: chr11-116790643-C-T. GRCh37 (hg19) VCF-style: chr11-116661359-C-T.
Other names: c.586G>A, p.Glu196Lys (NM_001166598.2, NM_052968.5); short protein forms E196K.
Identifiers: ClinVar variation 2567114 (VCV002567114.2), dbSNP rs1166692949, ClinGen allele CA382737964.

ClinVar aggregate classification (germline): Uncertain significance (1 of 4 stars; one submission).

Conditions:
Cardiovascular phenotype. Identifiers: MedGen CN230736.

Allele frequency attached by ClinVar (database versions not stated): TOPMed below 0.00001; gnomAD 0.00001.

Submission:

Ambry Genetics
Classification: Uncertain significance for Cardiovascular phenotype. Last evaluated: 2023-04-18. Review status: criteria provided, single submitter. Criteria: Ambry Variant Classification Scheme 2023. Collection method: clinical testing. Allele origin: germline.
Comment: The p.E196K variant (also known as c.586G>A), located in coding exon 3 of the APOA5 gene, results from a G to A substitution at nucleotide position 586. The glutamic acid at codon 196 is replaced by lysine, an amino acid with similar properties. This amino acid position is conserved. In addition, this alteration is predicted to be tolerated by in silico analysis. Since supporting evidence is limited at this time, the clinical significance of this alteration remains unclear.